The following is an entry in ClinVar:

ClinVar aggregate classification (germline): Uncertain significance (1 of 4 stars; one submission).

Conditions:
Hereditary cancer-predisposing syndrome. Also called: Tumor predisposition; Hereditary Cancer Syndrome; Neoplastic Syndromes, Hereditary; Hereditary neoplastic syndrome. Identifiers: Orphanet 140162, MedGen C0027672, MeSH D009386, MONDO:0015356.

Submission:

Color Diagnostics, LLC DBA Color Health
Classification: Uncertain significance for Hereditary cancer-predisposing syndrome. Last evaluated: 2025-04-21. Review status: criteria provided, single submitter. Criteria: ACMG Guidelines, 2015. Collection method: clinical testing. Allele origin: germline.
Comment: This variant causes an in-frame deletion of one amino acid at exon 9 of the BAP1 protein. To our knowledge, functional studies have not been reported for this variant. This variant has not been reported in individuals affected with BAP1-related disorders in the literature. This variant has not been identified in the general population by the Genome Aggregation Database (gnomAD). The available evidence is insufficient to determine the role of this variant in disease conclusively. Therefore, this variant is classified as a Variant of Uncertain Significance.

NM_004656.4(BAP1):c.1194_1196del (p.Glu398del)

Gene: BAP1 (BRCA1 associated deubiquitinase 1; minus strand). Cytogenetic location: 3p21.1.
Variant type: Deletion.
Coding change: c.1194_1196del on transcript NM_004656.4 (MANE Select); coding-DNA positions 1194 to 1196, 3 bases deleted (GGA; older notation c.1194_1196delGGA).
Protein change: p.Glu398del; deletes glutamic acid 398.
Genome position (GRCh38, 1-based): chr3:52,404,507-52,404,509, TCC deleted on the plus strand (GGA on the coding strand, the reverse complement: BAP1 is on the minus strand); deleting any 3 consecutive bases within chr3:52,404,507-52,404,511 gives the same sequence; the c. name uses the placement nearest the transcript's 3' end. VCF-style (leftmost placement, unchanged base first): chr3-52404506-ATCC-A. GRCh37 (hg19) VCF-style: chr3-52438522-ATCC-A.
Other names: c.1140_1142del, p.Glu380del (NM_001410772.1); short protein forms E380del, E398del.
Identifiers: ClinVar variation 4756624 (VCV004756624.1).